The following is an entry in ClinVar:

NM_006031.6(PCNT):c.268-5C>T

Gene: PCNT (pericentrin; plus strand). Cytogenetic location: 21q22.3.
Variant type: single nucleotide variant.
Coding change: c.268-5C>T on transcript NM_006031.6 (MANE Select); 5 bases into the intron before coding-DNA position 268, C replaced by T.
Molecular consequence: intron variant.
Genome position (GRCh38, 1-based): chr21:46,334,392, C>T. VCF-style: chr21-46334392-C-T. GRCh37 (hg19) VCF-style: chr21-47754306-C-T.
Other names: c.268-5C>T (NM_006031.5); c.-87-5C>T (NM_001315529.2).
Identifiers: ClinVar variation 2988720 (VCV002988720.4), dbSNP rs2517954217, ClinGen allele CA2577633177.

ClinVar aggregate classification (germline): Likely benign. Review status: criteria provided, multiple submitters, no conflicts (2 of 4 stars). 2 submissions from 2 submitters: Likely benign (2). Last evaluated 2026-06-08.

Conditions:
PCNT-related disorder. Also called: PCNT-related condition.

Allele frequency attached by ClinVar (database versions not stated): gnomAD exomes below 0.00001.
gnomAD v4.1: 2 of 1,614,140 alleles (0.00012%); highest among the groups gnomAD compares: East Asian, 0.0022%; no homozygotes.

Submissions (2):

PreventionGenetics, part of Exact Sciences
Classification: Likely benign for PCNT-related condition. Last evaluated: 2026-06-08. Review status: criteria provided, single submitter. Criteria: ACMG Guidelines, 2015. Collection method: clinical testing. Allele origin: germline.
Comment: This variant is classified as likely benign based on ACMG/AMP sequence variant interpretation guidelines (Richards et al. 2015 PMID: 25741868, with internal and published modifications).

Labcorp Genetics (formerly Invitae), Labcorp
Classification: Likely benign. Last evaluated: 2023-12-05. Review status: criteria provided, single submitter. Criteria: Invitae Variant Classification Sherloc (09022015). Collection method: clinical testing. Allele origin: germline.